The following is an entry in ClinVar:

ClinVar aggregate classification (germline): Uncertain significance. Review status: criteria provided, multiple submitters, no conflicts (2 of 4 stars). 2 submissions from 2 submitters: Uncertain significance (2). Last evaluated 2021-10-01.

Conditions:
Combined oxidative phosphorylation defect type 17. Also called: Combined oxidative phosphorylation deficiency 17. Identifiers: Orphanet 369913, MedGen C3809526, MONDO:0014190, OMIM 615440.

Allele frequency attached by ClinVar (database versions not stated): TOPMed 0.00001; ESP Exome Variant Server 0.00008.
gnomAD v4.1: 2 of 1,613,952 alleles (0.00012%); highest among the groups gnomAD compares: African/African-American, 0.0013%; no homozygotes.

Submissions (2):

Labcorp Genetics (formerly Invitae), Labcorp
Classification: Uncertain significance for Combined oxidative phosphorylation defect type 17. Last evaluated: 2021-10-01. Review status: criteria provided, single submitter. Criteria: Invitae Variant Classification Sherloc (09022015). Collection method: clinical testing. Allele origin: germline.
Comment: This sequence change replaces methionine with threonine at codon 668 of the ELAC2 protein (p.Met668Thr). The methionine residue is moderately conserved and there is a moderate physicochemical difference between methionine and threonine. This variant is not present in population databases (ExAC no frequency). In summary, the available evidence is currently insufficient to determine the role of this variant in disease. Therefore, it has been classified as a Variant of Uncertain Significance. Algorithms developed to predict the effect of missense changes on protein structure and function are either unavailable or do not agree on the potential impact of this missense change (SIFT: "Tolerated"; PolyPhen-2: "Probably Damaging"; Align-GVGD: "Class C0"). This variant has not been reported in the literature in individuals affected with ELAC2-related conditions.

Blueprint Genetics
Classification: Uncertain significance. Last evaluated: 2020-12-01. Review status: criteria provided, single submitter. Criteria: ACMG Guidelines, 2015. Collection method: clinical testing. Allele origin: germline.

NM_018127.7(ELAC2):c.2003T>C (p.Met668Thr)

Gene: ELAC2 (elaC ribonuclease Z 2; minus strand). Cytogenetic location: 17p12.
Variant type: single nucleotide variant.
Coding change: c.2003T>C on transcript NM_018127.7 (MANE Select); coding-DNA position 2003, T replaced by C.
Protein change: p.Met668Thr; replaces methionine 668 with threonine.
Molecular consequence: missense variant.
Genome position (GRCh38, 1-based): chr17:12,994,790, A>G on the plus strand (T>C on the coding strand, the complement: ELAC2 is on the minus strand). VCF-style: chr17-12994790-A-G. GRCh37 (hg19) VCF-style: chr17-12898107-A-G.
Other names: c.1883T>C, p.Met628Thr (NM_001165962.2); c.2000T>C, p.Met667Thr (NM_173717.2); short protein forms M628T, M668T, M667T.
Identifiers: ClinVar variation 1401650 (VCV001401650.5), dbSNP rs376231184, ClinGen allele CA288076428.
Genomic context (GRCh38, chr17:12,994,790, plus strand): 5'-AACCTCAGGGTGGCTTGCTTCTTCCTCTACTCACCCATCCGGACCAGAGCCTCGCAGGGC[A>G]TGGTGTCCCCGGAATAGACCACTTTCCAGCCAGAGGTGTGCACCAGCGCACAGCCAAACG-3'
Protein context (NP_060597.4, residues 658-678): GWKVVYSGDT[Met668Thr]PCEALVRMGK